The following is an entry in ClinVar:

NM_000051.4(ATM):c.3881T>G (p.Ile1294Ser)

Gene: ATM (ATM serine/threonine kinase; plus strand). Cytogenetic location: 11q22.3.
Variant type: single nucleotide variant.
Coding change: c.3881T>G on transcript NM_000051.4 (MANE Select); coding-DNA position 3881, T replaced by G.
Protein change: p.Ile1294Ser; replaces isoleucine 1294 with serine.
Molecular consequence: missense variant.
Genome position (GRCh38, 1-based): chr11:108,284,361, T>G. VCF-style: chr11-108284361-T-G. GRCh37 (hg19) VCF-style: chr11-108155088-T-G.
Other names: c.3881T>G, p.Ile1294Ser (NM_001351834.2); short protein forms I1294S.
Identifiers: ClinVar variation 4825500 (VCV004825500.1).
Genomic context (GRCh38, chr11:108,284,361, plus strand): 5'-AGATTCAAGAGGACTGGAAAAGTCTTCTAACAGACTGCTTTCCAAAGATTCTTGTAAATA[T>G]TCTTCCTTATTTTGCCTATGAGGGTACCAGAGACAGTGGGATGGCACAGCAAAGAGAGAC-3'
Protein context (NP_000042.3, residues 1284-1304): TDCFPKILVN[Ile1294Ser]LPYFAYEGTR

ClinVar aggregate classification (germline): Uncertain significance (1 of 4 stars; one submission).

Conditions:
Hereditary cancer-predisposing syndrome. Also called: Neoplastic Syndromes, Hereditary; Tumor predisposition; Hereditary Cancer Syndrome; Hereditary neoplastic syndrome. Identifiers: Orphanet 140162, MedGen C0027672, MeSH D009386, MONDO:0015356.

Submission:

Ambry Genetics
Classification: Uncertain significance for Hereditary cancer-predisposing syndrome. Last evaluated: 2026-01-20. Review status: criteria provided, single submitter. Criteria: Ambry Variant Classification Scheme 2023. Collection method: clinical testing. Allele origin: germline.
Comment: The p.I1294S variant (also known as c.3881T>G), located in coding exon 25 of the ATM gene, results from a T to G substitution at nucleotide position 3881. The isoleucine at codon 1294 is replaced by serine, an amino acid with dissimilar properties. In an assay testing ATM function, this variant showed a functionally abnormal result (Lee KS et al. Cell, 2025 Sep;188:5081-5099.e27). This amino acid position is highly conserved in available vertebrate species. In addition, this alteration is predicted to be deleterious by in silico analysis. Based on the available evidence, the clinical significance of this variant remains unclear.

Literature cited by the submitters: PubMed 40580951.